The following is an entry in ClinVar:

NM_014874.4(MFN2):c.1448C>T (p.Ser483Phe)

Gene: MFN2 (mitofusin 2; plus strand). Cytogenetic location: 1p36.22.
Variant type: single nucleotide variant.
Coding change: c.1448C>T on transcript NM_014874.4 (MANE Select); coding-DNA position 1448, C replaced by T.
Protein change: p.Ser483Phe; replaces serine 483 with phenylalanine.
Molecular consequence: missense variant.
Genome position (GRCh38, 1-based): chr1:12,004,880, C>T. VCF-style: chr1-12004880-C-T. GRCh37 (hg19) VCF-style: chr1-12064937-C-T.
Other names: c.1448C>T, p.Ser483Phe (NM_001127660.2); short protein forms S483F.
Identifiers: ClinVar variation 2084071 (VCV002084071.6), dbSNP rs2523080385, ClinGen allele CA338446791.

ClinVar aggregate classification (germline): Uncertain significance. Review status: criteria provided, multiple submitters, no conflicts (2 of 4 stars). 2 submissions from 2 submitters: Uncertain significance (2). Last evaluated 2023-05-17.

Conditions:
Inborn genetic diseases. Identifiers: MedGen C0950123, MeSH D030342.
Charcot-Marie-Tooth disease type 2. Also called: Charcot-Marie-Tooth type 2. Identifiers: Orphanet 64746, MedGen C0270914, MONDO:0018993.

Allele frequency attached by ClinVar (database versions not stated): gnomAD exomes below 0.00001.
gnomAD v4.1: 2 of 1,613,666 alleles (0.00012%); highest among the groups gnomAD compares: African/African-American, 0.0013%; no homozygotes.

Submissions (2):

Ambry Genetics
Classification: Uncertain significance for Inborn genetic diseases. Last evaluated: 2023-05-17. Review status: criteria provided, single submitter. Criteria: Ambry Variant Classification Scheme 2023. Collection method: clinical testing. Allele origin: germline.

Labcorp Genetics (formerly Invitae), Labcorp
Classification: Uncertain significance for Charcot-Marie-Tooth disease type 2. Last evaluated: 2022-01-15. Review status: criteria provided, single submitter. Criteria: Invitae Variant Classification Sherloc (09022015). Collection method: clinical testing. Allele origin: germline.
Comment: In summary, the available evidence is currently insufficient to determine the role of this variant in disease. Therefore, it has been classified as a Variant of Uncertain Significance. Advanced modeling of protein sequence and biophysical properties (such as structural, functional, and spatial information, amino acid conservation, physicochemical variation, residue mobility, and thermodynamic stability) performed at Invitae indicates that this missense variant is expected to disrupt MFN2 protein function. This variant has not been reported in the literature in individuals affected with MFN2-related conditions. This variant is not present in population databases (gnomAD no frequency). This sequence change replaces serine, which is neutral and polar, with phenylalanine, which is neutral and non-polar, at codon 483 of the MFN2 protein (p.Ser483Phe).